The following is an entry in ClinVar:

NM_001378454.1(ALMS1):c.1245G>T (p.Leu415=)

Gene: ALMS1 (ALMS1 centrosome and basal body associated protein; plus strand). Cytogenetic location: 2p13.1.
Variant type: single nucleotide variant.
Coding change: c.1245G>T on transcript NM_001378454.1 (MANE Select); coding-DNA position 1245, G replaced by T.
Protein change: p.Leu415=; no amino-acid change (leucine 415 retained).
Molecular consequence: synonymous variant.
Genome position (GRCh38, 1-based): chr2:73,426,460, G>T. VCF-style: chr2-73426460-G-T. GRCh37 (hg19) VCF-style: chr2-73653588-G-T.
Other names: c.1248G>T, p.Leu416= (NM_015120.4).
Identifiers: ClinVar variation 514348 (VCV000514348.8), dbSNP rs1553400953, ClinGen allele CA426770372.

ClinVar aggregate classification (germline): Likely benign. Review status: criteria provided, multiple submitters, no conflicts (2 of 4 stars). 2 submissions from 2 submitters: Likely benign (2). Last evaluated 2023-06-04.

Conditions:
Alstrom syndrome (ALMS). Identifiers: Orphanet 64, MedGen C0268425, MONDO:0008763, OMIM 203800.

Submissions (2):

Labcorp Genetics (formerly Invitae), Labcorp
Classification: Likely benign for Alstrom syndrome. Last evaluated: 2023-06-04. Review status: criteria provided, single submitter. Criteria: Invitae Variant Classification Sherloc (09022015). Collection method: clinical testing. Allele origin: germline.

GeneDx
Classification: Likely benign. Last evaluated: 2018-01-02. Review status: criteria provided, single submitter. Criteria: GeneDx Variant Classification (06012015). Collection method: clinical testing. Allele origin: germline. Affected: yes.
Comment: This variant is considered likely benign or benign based on one or more of the following criteria: it is a conservative change, it occurs at a poorly conserved position in the protein, it is predicted to be benign by multiple in silico algorithms, and/or has population frequency not consistent with disease.